The following is an entry in ClinVar:

NM_172245.4(CSF2RA):c.586G>C (p.Gly196Arg)

Gene: CSF2RA (colony stimulating factor 2 receptor subunit alpha; plus strand). Cytogenetic location: Xp22.33.
Variant type: single nucleotide variant.
Coding change: c.586G>C on transcript NM_172245.4 (MANE Select); coding-DNA position 586, G replaced by C.
Protein change: p.Gly196Arg; replaces glycine 196 with arginine.
Molecular consequence: missense variant. On other transcripts: non-coding transcript variant (1).
Genome position (GRCh38, 1-based): chrX:1,290,449, G>C. VCF-style: chrX-1290449-G-C. GRCh37 (hg19) VCF-style: chrX-1409342-G-C.
Other names: c.586G>C, p.Gly196Arg (NM_001161529.2, NM_001161530.2, NM_001161531.2 and 21 more transcripts); c.187G>C, p.Gly63Arg (NM_001161532.2); short protein forms G63R, G196R.
Identifiers: ClinVar variation 1973069 (VCV001973069.5), dbSNP rs137852353, ClinGen allele CA10330873.
Genomic context (GRCh38, chrX:1,290,449, plus strand): 5'-GTGGGATGTCACCTGGATAACCTGTCAGGATTAACGTCTCGCAATTACTTTCTGGTTAAC[G>C]GAACCAGCCGAGAAATTGGCATCCAATTCTTTGATTCACTTTTGGACACAAAGAAAATAG-3'
Protein context (NP_758448.1, residues 186-206): LTSRNYFLVN[Gly196Arg]TSREIGIQFF

ClinVar aggregate classification (germline): Likely pathogenic (1 of 4 stars; one submission).

Conditions:
Surfactant metabolism dysfunction, pulmonary, 4 (SMDP4). Also called: PULMONARY ALVEOLAR PROTEINOSIS, CONGENITAL, 4; CSF2RA DEFICIENCY; PAP DUE TO CSF2RA DEFICIENCY. Identifiers: Orphanet 264675, MedGen C2677877, MONDO:0010424, OMIM 300770.

Allele frequency attached by ClinVar (database versions not stated): 1000 Genomes Project 30x 0.00021; 1000 Genomes Project 0.00026.
gnomAD v4.1: 2 of 1,613,804 alleles (0.00012%); highest among the groups gnomAD compares: African/African-American, 0.0027%; no homozygotes.

Submission:

Labcorp Genetics (formerly Invitae), Labcorp
Classification: Likely pathogenic for Surfactant metabolism dysfunction, pulmonary, 4. Last evaluated: 2022-08-19. Review status: criteria provided, single submitter. Criteria: Invitae Variant Classification Sherloc (09022015). Collection method: clinical testing. Allele origin: germline.
Comment: This sequence change replaces glycine, which is neutral and non-polar, with arginine, which is basic and polar, at codon 196 of the CSF2RA protein (p.Gly196Arg). This variant is present in population databases (no rsID available, gnomAD 0.007%). This missense change has been observed in individual(s) with clinical features of pulmonary alveolar proteinosis (PMID: 20622029, 25425184). In at least one individual the data is consistent with being in trans (on the opposite chromosome) from a pathogenic variant. It has also been observed to segregate with disease in related individuals. This variant is also known as G174R. Algorithms developed to predict the effect of missense changes on protein structure and function are either unavailable or do not agree on the potential impact of this missense change (SIFT: "Deleterious"; PolyPhen-2: "Probably Damaging"; Align-GVGD: "Class C0"). Experimental studies have shown that this missense change affects CSF2RA function (PMID: 18955570). In summary, the currently available evidence indicates that the variant is pathogenic, but additional data are needed to prove that conclusively. Therefore, this variant has been classified as Likely Pathogenic.

Literature cited by the submitters: PubMed 20622029; PubMed 25425184; PubMed 18955570.